The following is an entry in ClinVar:

NM_001136191.3(KANK2):c.2298C>T (p.Asn766=)

Gene: KANK2 (KN motif and ankyrin repeat domains 2; minus strand). Cytogenetic location: 19p13.2.
Variant type: single nucleotide variant.
Coding change: c.2298C>T on transcript NM_001136191.3 (MANE Select); coding-DNA position 2298, C replaced by T.
Protein change: p.Asn766=; no amino-acid change (asparagine 766 retained).
Molecular consequence: synonymous variant.
Genome position (GRCh38, 1-based): chr19:11,170,162, G>A on the plus strand (C>T on the coding strand, the complement: KANK2 is on the minus strand). VCF-style: chr19-11170162-G-A. GRCh37 (hg19) VCF-style: chr19-11280838-G-A.
Other names: c.2298C>T, p.Asn766= (NM_001329451.2, NM_001379555.1, NM_001379556.1 and 7 more transcripts); c.2322C>T, p.Asn774= (NM_001379548.1, NM_001379549.1, NM_001379550.1 and 5 more transcripts).
Identifiers: ClinVar variation 3040242 (VCV003040242.4), dbSNP rs61734840, ClinGen allele CA9205312.

ClinVar aggregate classification (germline): Likely benign. Review status: criteria provided, single submitter (1 of 4 stars). 2 submissions from 2 submitters: Likely benign (1). 1 of the submissions does not count toward it. Last evaluated 2024-09-11.

Conditions:
KANK2-related disorder. Also called: KANK2-related condition.

Allele frequency attached by ClinVar (database versions not stated): ExAC 0.00002; gnomAD exomes 0.00004; gnomAD 0.00014; TOPMed 0.00014; 1000 Genomes Project 30x 0.00016; 1000 Genomes Project 0.00020; ESP Exome Variant Server 0.00023.
gnomAD v4.1: 72 of 1,612,212 alleles (0.0045%); highest among the groups gnomAD compares: African/African-American, 0.012%; no homozygotes.

Submissions (2):

Labcorp Genetics (formerly Invitae), Labcorp
Classification: Likely benign. Last evaluated: 2024-09-11. Review status: criteria provided, single submitter. Criteria: Invitae Variant Classification Sherloc (09022015). Collection method: clinical testing. Allele origin: germline.

PreventionGenetics, part of Exact Sciences
Classification: Likely benign for KANK2-related condition. Last evaluated: 2019-09-11. Review status: no assertion criteria provided. Collection method: clinical testing. Allele origin: germline. Not counted in ClinVar's aggregate classification.
Comment: This variant is classified as likely benign based on ACMG/AMP sequence variant interpretation guidelines (Richards et al. 2015 PMID: 25741868, with internal and published modifications).